The following is an entry in ClinVar:

NM_024665.7(TBL1XR1):c.1047G>A (p.Thr349=)

Genes: TBL1XR1 (TBL1X/Y related 1; minus strand), TBL1XR1-AS1 (TBL1XR1 antisense RNA 1; plus strand), LOC126806878 (CDK7 strongly-dependent group 2 enhancer GRCh37_chr3:176755168-176756367; plus strand). Cytogenetic location: 3q26.32.
Variant type: single nucleotide variant.
Coding change: c.1047G>A on transcript NM_024665.7 (MANE Select); coding-DNA position 1047, G replaced by A.
Protein change: p.Thr349=; no amino-acid change (threonine 349 retained).
Molecular consequence: synonymous variant.
Genome position (GRCh38, 1-based): chr3:177,038,313, C>T on the plus strand (G>A on the coding strand, the complement: TBL1XR1 is on the minus strand). VCF-style: chr3-177038313-C-T. GRCh37 (hg19) VCF-style: chr3-176756101-C-T.
Other names: c.1047G>A, p.Thr349= (NM_001321193.3, NM_001321194.3, NM_001374327.1 and 2 more transcripts); c.786G>A, p.Thr262= (NM_001321195.3, NM_001374330.1).
Identifiers: ClinVar variation 861216 (VCV000861216.12), dbSNP rs765557053, ClinGen allele CA89087859.

ClinVar aggregate classification (germline): Conflicting classifications of pathogenicity. Review status: criteria provided, conflicting classifications (1 of 4 stars). 2 submissions from 2 submitters: Uncertain significance (1); Likely benign (1). Last evaluated 2024-04-01.

Conditions:
Pierpont syndrome (PRPTS). Identifiers: Orphanet 487825, MedGen C1865644, MONDO:0011213, OMIM 602342.

Allele frequency attached by ClinVar (database versions not stated): gnomAD exomes below 0.00001 and 0.00001; TOPMed below 0.00001.
gnomAD v4.1: 12 of 1,595,658 alleles (0.00075%); highest among the groups gnomAD compares: Middle Eastern, 0.017%; no homozygotes.

Submissions (3):

Labcorp Genetics (formerly Invitae), Labcorp
Classification: Uncertain significance for Pierpont syndrome. Last evaluated: 2024-04-01. Review status: criteria provided, single submitter. Criteria: Invitae Variant Classification Sherloc (09022015). Collection method: clinical testing. Allele origin: germline.
Comment: This sequence change affects codon 349 of the TBL1XR1 mRNA. It is a 'silent' change, meaning that it does not change the encoded amino acid sequence of the TBL1XR1 protein. This variant also falls at the last nucleotide of exon 11, which is part of the consensus splice site for this exon. The frequency data for this variant in the population databases is considered unreliable, as metrics indicate poor data quality at this position in the gnomAD database. This variant has not been reported in the literature in individuals affected with TBL1XR1-related conditions. ClinVar contains an entry for this variant (Variation ID: 861216). Variants that disrupt the consensus splice site are a relatively common cause of aberrant splicing (PMID: 17576681, 9536098). Algorithms developed to predict the effect of sequence changes on RNA splicing suggest that this variant may disrupt the consensus splice site. In summary, the available evidence is currently insufficient to determine the role of this variant in disease. Therefore, it has been classified as a Variant of Uncertain Significance.

GeneDx
Classification: Likely benign. Last evaluated: 2022-04-13. Review status: criteria provided, single submitter. Criteria: GeneDx Variant Classification Process June 2021. Collection method: clinical testing. Allele origin: germline. Affected: yes.
Comment: Has not been previously published as pathogenic or benign to our knowledge; In silico analysis supports that this variant does not alter splicing; Nucleotide substitution has no predicted effect on splicing and is not conserved across species

Dr. Peter K. Rogan Lab, Western University
No classification provided (evidence only). Condition: Gastric cancer. Review status: no classification provided. Collection method: in vitro. Allele origin: not applicable. Functional consequence: retained intron. Not counted in ClinVar's aggregate classification.

Literature cited by the submitters: PubMed 17576681 (cited by Labcorp Genetics (formerly Invitae), Labcorp); PubMed 9536098 (cited by Labcorp Genetics (formerly Invitae), Labcorp).